The following is an entry in ClinVar:

NM_000301.5(PLG):c.2168T>C (p.Val723Ala)

Gene: PLG (plasminogen; plus strand). Cytogenetic location: 6q26.
Variant type: single nucleotide variant.
Coding change: c.2168T>C on transcript NM_000301.5 (MANE Select); coding-DNA position 2168, T replaced by C.
Protein change: p.Val723Ala; replaces valine 723 with alanine.
Molecular consequence: missense variant.
Genome position (GRCh38, 1-based): chr6:160,752,157, T>C. VCF-style: chr6-160752157-T-C. GRCh37 (hg19) VCF-style: chr6-161173189-T-C.
Other names: short protein forms V723A.
Identifiers: ClinVar variation 4698778 (VCV004698778.1).
Genomic context (GRCh38, chr6:160,752,157, plus strand): 5'-TCATCTTTTTAAACACAGGTACTTTTGGAGCTGGCCTTCTCAAGGAAGCCCAGCTCCCTG[T>C]GATTGAGAATAAAGTGTGCAATCGCTATGAGTTTCTGAATGGAAGAGTCCAATCCACCGA-3'
Protein context (NP_000292.1, residues 713-733): AGLLKEAQLP[Val723Ala]IENKVCNRYE

ClinVar aggregate classification (germline): Uncertain significance (1 of 4 stars; one submission).

gnomAD v4.1: 7 of 1,612,210 alleles (0.00043%); highest among the groups gnomAD compares: Non-Finnish European, 0.00059%; no homozygotes.

Submission:

Labcorp Genetics (formerly Invitae), Labcorp
Classification: Uncertain significance. Last evaluated: 2025-05-25. Review status: criteria provided, single submitter. Criteria: Invitae Variant Classification Sherloc (09022015). Collection method: clinical testing. Allele origin: germline.
Comment: This sequence change replaces valine, which is neutral and non-polar, with alanine, which is neutral and non-polar, at codon 723 of the PLG protein (p.Val723Ala). This variant is present in population databases (rs770409778, gnomAD 0.0009%). This variant has not been reported in the literature in individuals affected with PLG-related conditions. Invitae Evidence Modeling of protein sequence and biophysical properties (such as structural, functional, and spatial information, amino acid conservation, physicochemical variation, residue mobility, and thermodynamic stability) indicates that this missense variant is not expected to disrupt PLG protein function with a negative predictive value of 80%. In summary, the available evidence is currently insufficient to determine the role of this variant in disease. Therefore, it has been classified as a Variant of Uncertain Significance.